The following is an entry in ClinVar:

NM_003718.5(CDK13):c.2606C>T (p.Pro869Leu)

Gene: CDK13 (cyclin dependent kinase 13; plus strand). Cytogenetic location: 7p14.1.
Variant type: single nucleotide variant.
Coding change: c.2606C>T on transcript NM_003718.5 (MANE Select); coding-DNA position 2606, C replaced by T.
Protein change: p.Pro869Leu; replaces proline 869 with leucine.
Molecular consequence: missense variant.
Genome position (GRCh38, 1-based): chr7:40,062,831, C>T. VCF-style: chr7-40062831-C-T. GRCh37 (hg19) VCF-style: chr7-40102430-C-T.
Other names: c.2606C>T, p.Pro869Leu (NM_031267.4); short protein forms P869L.
Identifiers: ClinVar variation 3359679 (VCV003359679.1).

ClinVar aggregate classification (germline): Uncertain significance (1 of 4 stars; one submission).

gnomAD v4.1: 1 of 1,609,074 alleles (0.000062%); highest among the groups gnomAD compares: Non-Finnish European, 0.000085%; no homozygotes.

Submission:

GeneDx
Classification: Uncertain significance. Last evaluated: 2023-06-15. Review status: criteria provided, single submitter. Criteria: GeneDx Variant Classification Process June 2021. Collection method: clinical testing. Allele origin: germline. Affected: yes.
Comment: Not observed at significant frequency in large population cohorts (gnomAD); In silico analysis supports that this missense variant has a deleterious effect on protein structure/function; Has not been previously published as pathogenic or benign to our knowledge